The following is an entry in ClinVar:

ClinVar aggregate classification (germline): Conflicting classifications of pathogenicity. Review status: criteria provided, conflicting classifications (1 of 4 stars). 4 submissions from 4 submitters: Uncertain significance (1); Likely benign (2). 1 of the submissions does not count toward it. Last evaluated 2025-12-16.

Conditions:
Malignant tumor of breast. Also called: Cancer breast; Malignant breast neoplasm. Identifiers: MedGen C0006142, MONDO:0007254. Disease mechanism: loss of function.
Hereditary cancer-predisposing syndrome. Also called: Hereditary neoplastic syndrome; Tumor predisposition; Neoplastic Syndromes, Hereditary; Hereditary Cancer Syndrome. Identifiers: Orphanet 140162, MedGen C0027672, MeSH D009386, MONDO:0015356.
Fanconi anemia (FA). Also called: Fanconi's anemia. Identifiers: Orphanet 84, MedGen C0015625, MeSH D005199, MONDO:0019391.

Allele frequency attached by ClinVar (database versions not stated): gnomAD below 0.00001 and 0.00003; ExAC 0.00009.
gnomAD v4.1: 70 of 1,614,150 alleles (0.0043%); highest among the groups gnomAD compares: South Asian, 0.076%; 1 homozygote.

Submissions (4):

Labcorp Genetics (formerly Invitae), Labcorp
Classification: Likely benign for Fanconi anemia. Last evaluated: 2025-12-16. Review status: criteria provided, single submitter. Criteria: Invitae Variant Classification Sherloc (09022015). Collection method: clinical testing. Allele origin: germline.

Ambry Genetics
Classification: Likely benign for Hereditary cancer-predisposing syndrome. Last evaluated: 2023-07-18. Review status: criteria provided, single submitter. Criteria: Ambry Variant Classification Scheme 2023. Collection method: clinical testing. Allele origin: germline.

GeneDx
Classification: Uncertain significance. Last evaluated: 2021-04-06. Review status: criteria provided, single submitter. Criteria: GeneDx Variant Classification Process June 2021. Collection method: clinical testing. Allele origin: germline. Affected: yes.
Comment: In silico analysis supports that this missense variant does not alter protein structure/function; Has not been previously published as pathogenic or benign to our knowledge

Department of Pathology and Laboratory Medicine, Sinai Health System
Classification: Uncertain significance for Malignant tumor of breast. Review status: no assertion criteria provided. Collection method: clinical testing. Allele origin: unknown. Affected: yes. Study: The Canadian Open Genetics Repository (COGR). Not counted in ClinVar's aggregate classification.
Comment: The FANCC p.Leu422Met variant was not identified in the literature nor was it identified in the Cosmic, MutDB, or LOVD 3.0 databases. The variant was identified in dbSNP (ID: rs756716463 as "With Uncertain significance allele") and in ClinVar (as a Variant of Uncertain Significance by GeneDx). The variant was also identified in control databases in 24 of 246162 chromosomes at a frequency of 0.0001 (Genome Aggregation Database Feb 27, 2017). The variant was observed in the South Asian population in 24 of 30780 chromosomes (freq: 0.0008) and was not observed in the African, Other, Latino, European Non-Finnish, Ashkenazi Jewish, East Asian, or Finnish populations. The p.Leu422 residue is conserved in mammals and computational analyses (PolyPhen-2, SIFT, AlignGVGD, BLOSUM, MutationTaster) provide inconsistent predictions regarding the impact to the protein; this information is not reliably predictive of pathogenicity. The variant occurs outside of the splicing consensus sequence and 5 of 5 in silico or computational prediction software programs (SpliceSiteFinder, MaxEntScan, NNSPLICE, GeneSplicer, HumanSpliceFinder) do not predict a difference in splicing. In summary, based on the above information the clinical significance of this variant cannot be determined with certainty at this time. This variant is classified as a variant of uncertain significance.

NM_000136.3(FANCC):c.1264C>A (p.Leu422Met)

Genes: FANCC (FA complementation group C; minus strand), AOPEP (aminopeptidase O (putative); plus strand). Cytogenetic location: 9q22.32.
Variant type: single nucleotide variant.
Coding change: c.1264C>A on transcript NM_000136.3 (MANE Select); coding-DNA position 1264, C replaced by A.
Protein change: p.Leu422Met; replaces leucine 422 with methionine.
Molecular consequence: missense variant.
Genome position (GRCh38, 1-based): chr9:95,111,528, G>T on the plus strand (C>A on the coding strand, the complement: FANCC is on the minus strand). VCF-style: chr9-95111528-G-T. GRCh37 (hg19) VCF-style: chr9-97873810-G-T.
Other names: c.1264C>A, p.Leu422Met (NM_001243743.2, NM_001243744.2); short protein forms L422M.
Identifiers: ClinVar variation 418189 (VCV000418189.18), dbSNP rs756716463, ClinGen allele CA5137407.
Genomic context (GRCh38, chr9:95,111,528, plus strand): 5'-TCTGTGCTCTCTGCTGCCTCCCATCACGGGGGCCGTAGTAGAAGGCCAAGAGCCACAGCA[G>T]GGCCGTGGGGGGTTCGGCTGCCGACATCAGTAATTGCTCTGCCACCATCTCAGCCCATCC-3'
Protein context (NP_000127.2, residues 412-432): LMSAAEPPTA[Leu422Met]LWLLAFYYGP